The following is an entry in ClinVar:

NM_001267550.2(TTN):c.84157C>T (p.Leu28053Phe)

Genes: TTN (titin; minus strand), TTN-AS1 (TTN antisense RNA 1; plus strand). Cytogenetic location: 2q31.2.
Variant type: single nucleotide variant.
Coding change: c.84157C>T on transcript NM_001267550.2 (MANE Select); coding-DNA position 84157, C replaced by T.
Protein change: p.Leu28053Phe; replaces leucine 28053 with phenylalanine.
Molecular consequence: missense variant.
Genome position (GRCh38, 1-based): chr2:178,561,975, G>A on the plus strand (C>T on the coding strand, the complement: TTN is on the minus strand). VCF-style: chr2-178561975-G-A. GRCh37 (hg19) VCF-style: chr2-179426702-G-A.
Other names: c.79234C>T, p.Leu26412Phe (NM_001256850.1); c.56962C>T, p.Leu18988Phe (NM_003319.4); c.76453C>T, p.Leu25485Phe (NM_133378.4); c.57337C>T, p.Leu19113Phe (NM_133432.3); c.57538C>T, p.Leu19180Phe (NM_133437.4); short protein forms L25485F, L28053F, L18988F, L26412F, L19113F, L19180F.
Identifiers: ClinVar variation 598028 (VCV000598028.8), dbSNP rs1194981313, ClinGen allele CA349562004.

ClinVar aggregate classification (germline): Conflicting classifications of pathogenicity. Review status: criteria provided, conflicting classifications (1 of 4 stars). 3 submissions from 3 submitters: Uncertain significance (2); Likely benign (1). Last evaluated 2025-10-02.

Conditions:
TTN-related disorder. Also called: TTN-related condition; TTN-related disease; TTN-related disorders.

Allele frequency attached by ClinVar (database versions not stated): TOPMed below 0.00001; gnomAD exomes 0.00001.
gnomAD v4.1: 36 of 1,613,244 alleles (0.0022%); highest among the groups gnomAD compares: Non-Finnish European, 0.003%; no homozygotes.

Submissions (3):

PreventionGenetics, part of Exact Sciences
Classification: Uncertain significance for TTN-related condition. Last evaluated: 2025-10-02. Review status: criteria provided, single submitter. Criteria: ACMG Guidelines, 2015. Collection method: clinical testing. Allele origin: germline.
Comment: The TTN c.84157C>T variant is predicted to result in the amino acid substitution p.Leu28053Phe. To our knowledge, this variant has not been reported in the literature. This variant is reported in 0.0018% of alleles in individuals of European (Non-Finnish) descent in gnomAD. At this time, the clinical significance of this variant is uncertain due to the absence of conclusive functional and genetic evidence.

Eurofins Ntd Llc (ga)
Classification: Uncertain significance. Last evaluated: 2018-07-17. Review status: criteria provided, single submitter. Criteria: EGL ClinVar v180209 classification definitions. Collection method: clinical testing. Allele origin: germline. Observed: 1 variant allele, 1 heterozygote.

GeneDx
Classification: Likely benign. Last evaluated: 2018-05-24. Review status: criteria provided, single submitter. Criteria: GeneDx Variant Classification (06012015). Collection method: clinical testing. Allele origin: germline. Affected: yes.
Comment: This variant is considered likely benign or benign based on one or more of the following criteria: it is a conservative change, it occurs at a poorly conserved position in the protein, it is predicted to be benign by multiple in silico algorithms, and/or has population frequency not consistent with disease.